The following is an entry in ClinVar:

ClinVar aggregate classification (germline): Pathogenic (0 of 4 stars; one submission).

Conditions:
Polycystic kidney disease. Also called: Polycystic kidney dysplasia; Kidney, Polycystic. Identifiers: MedGen C0022680, MeSH D007690, MONDO:0020642, HP:0000113.

Submission:

Department of Pathology and Laboratory Medicine, Sinai Health System
Classification: Pathogenic for Polycystic Kidney disease. Review status: no assertion criteria provided. Collection method: clinical testing. Allele origin: unknown. Affected: yes. Observed: 1 variant allele. Study: The Canadian Open Genetics Repository (COGR).
Comment: The PKD1 p.Ala1201Argfs*19 variant was not identified in the literature nor was it identified in the dbSNP, ClinVar, LOVD 3.0, ADPKD Mutation Database, or PKD1-LOVD databases. The variant was not identified in the following control databases: the Exome Aggregation Consortium (August 8th 2016) or the Genome Aggregation Database (Feb 27, 2017). The c.3601del variant is predicted to cause a frameshift, which alters the protein amino acid sequence beginning at codon 1201 and leads to a premature stop codon at position 1219. This alteration is then predicted to result in a truncated or absent protein and loss of function. Loss of function variants of the PKD1 gene are an established mechanism of disease in ADPKD and is the type of variant expected to cause the disorder. In summary, based on the above information, this variant meets our laboratoryâ€šÃ„Ã´s criteria to be classified as pathogenic.

NM_001009944.3(PKD1):c.3601del (p.Ala1201fs)

Gene: PKD1 (polycystin 1, transient receptor potential channel interacting; minus strand). Cytogenetic location: 16p13.3.
Variant type: Deletion.
Coding change: c.3601del on transcript NM_001009944.3 (MANE Select); coding-DNA position 3601, one base deleted (G; older notation c.3601delG).
Protein change: p.Ala1201fs; shifts the reading frame from alanine 1201.
Molecular consequence: frameshift variant.
Genome position (GRCh38, 1-based): chr16:2,111,566, C deleted on the plus strand (G on the coding strand, the reverse complement: PKD1 is on the minus strand); the first of 2 consecutive C bases (chr16:2,111,566-2,111,567); deleting either gives the same sequence. VCF-style (leftmost placement, unchanged base first): chr16-2111565-GC-G. GRCh37 (hg19) VCF-style: chr16-2161566-GC-G.
Other names: c.3601del, p.Ala1201fs (NM_000296.4); short protein forms A1201fs.
Identifiers: ClinVar variation 997370 (VCV000997370.1), dbSNP rs2092506499, ClinGen allele CA2202047683.